The following is an entry in ClinVar:

ClinVar aggregate classification (germline): Uncertain significance (1 of 4 stars; one submission).

Allele frequency attached by ClinVar (database versions not stated): gnomAD exomes 0.00001; gnomAD 0.00002; TOPMed 0.00002.
gnomAD v4.1: 14 of 944,892 alleles (0.0015%); highest among the groups gnomAD compares: Non-Finnish European, 0.002%; no homozygotes.

Submission:

Labcorp Genetics (formerly Invitae), Labcorp
Classification: Uncertain significance. Last evaluated: 2025-12-14. Review status: criteria provided, single submitter. Criteria: Invitae Variant Classification Sherloc (09022015). Collection method: clinical testing. Allele origin: germline.
Comment: This sequence change replaces glycine, which is neutral and non-polar, with alanine, which is neutral and non-polar, at codon 616 of the IL6ST protein (p.Gly616Ala). This variant is present in population databases (no rsID available, gnomAD 0.002%). This variant has not been reported in the literature in individuals affected with IL6ST-related conditions. ClinVar contains an entry for this variant (Variation ID: 1460706). An algorithm developed to predict the effect of missense changes on protein structure and function (PolyPhen-2) suggests that this variant is likely to be disruptive. In summary, the available evidence is currently insufficient to determine the role of this variant in disease. Therefore, it has been classified as a Variant of Uncertain Significance.

NM_002184.4(IL6ST):c.1847G>C (p.Gly616Ala)

Gene: IL6ST (interleukin 6 cytokine family signal transducer; minus strand). Cytogenetic location: 5q11.2.
Variant type: single nucleotide variant.
Coding change: c.1847G>C on transcript NM_002184.4 (MANE Select); coding-DNA position 1847, G replaced by C.
Protein change: p.Gly616Ala; replaces glycine 616 with alanine.
Molecular consequence: missense variant. On other transcripts: 3 prime UTR variant (1), non-coding transcript variant (2).
Genome position (GRCh38, 1-based): chr5:55,947,583, C>G on the plus strand (G>C on the coding strand, the complement: IL6ST is on the minus strand). VCF-style: chr5-55947583-C-G. GRCh37 (hg19) VCF-style: chr5-55243411-C-G.
Other names: c.1664G>C, p.Gly555Ala (NM_001190981.2); c.1745G>C, p.Gly582Ala (NM_001364275.2); c.1637G>C, p.Gly546Ala (NM_001364276.2); c.980G>C, p.Gly327Ala (NM_001364277.2); c.944G>C, p.Gly315Ala (NM_001364278.2); c.851G>C, p.Gly284Ala (NM_001364279.2); c.*774G>C (NM_175767.3); short protein forms G327A, G582A, G315A, G555A, G284A, G546A, G616A.
Identifiers: ClinVar variation 1460706 (VCV001460706.6), dbSNP rs1326876836, ClinGen allele CA359782445.